The following is an entry in ClinVar:

ClinVar aggregate classification (germline): Uncertain significance (1 of 4 stars; one submission).

Conditions:
Hereditary cancer-predisposing syndrome. Also called: Neoplastic Syndromes, Hereditary; Tumor predisposition; Hereditary Cancer Syndrome; Hereditary neoplastic syndrome. Identifiers: Orphanet 140162, MedGen C0027672, MeSH D009386, MONDO:0015356.

Submission:

Ambry Genetics
Classification: Uncertain significance for Hereditary cancer-predisposing syndrome. Last evaluated: 2026-02-06. Review status: criteria provided, single submitter. Criteria: Ambry Variant Classification Scheme 2023. Collection method: clinical testing. Allele origin: germline.
Comment: The p.L385R variant (also known as c.1154T>G), located in coding exon 9 of the SUFU gene, results from a T to G substitution at nucleotide position 1154. The leucine at codon 385 is replaced by arginine, an amino acid with dissimilar properties. This amino acid position is highly conserved in available vertebrate species. In addition, this alteration is predicted to be deleterious by in silico analysis. Based on the available evidence, the clinical significance of this variant remains unclear.

NM_016169.4(SUFU):c.1154T>G (p.Leu385Arg)

Gene: SUFU (SUFU negative regulator of hedgehog signaling; plus strand). Cytogenetic location: 10q24.32.
Variant type: single nucleotide variant.
Coding change: c.1154T>G on transcript NM_016169.4 (MANE Select); coding-DNA position 1154, T replaced by G.
Protein change: p.Leu385Arg; replaces leucine 385 with arginine.
Molecular consequence: missense variant.
Genome position (GRCh38, 1-based): chr10:102,615,399, T>G. VCF-style: chr10-102615399-T-G. GRCh37 (hg19) VCF-style: chr10-104375156-T-G.
Other names: c.1154T>G, p.Leu385Arg (NM_001178133.2); short protein forms L385R.
Identifiers: ClinVar variation 4824958 (VCV004824958.1).